The following is an entry in ClinVar:

NM_006118.4(HAX1):c.568C>G (p.Gln190Glu)

Gene: HAX1 (HCLS1 associated protein X-1; plus strand). Cytogenetic location: 1q21.3.
Variant type: single nucleotide variant.
Coding change: c.568C>G on transcript NM_006118.4 (MANE Select); coding-DNA position 568, C replaced by G.
Protein change: p.Gln190Glu; replaces glutamine 190 with glutamic acid.
Molecular consequence: missense variant.
Genome position (GRCh38, 1-based): chr1:154,275,165, C>G. VCF-style: chr1-154275165-C-G. GRCh37 (hg19) VCF-style: chr1-154247641-C-G.
Other names: c.424C>G, p.Gln142Glu (NM_001018837.2); short protein forms Q190E, Q142E.
Identifiers: ClinVar variation 5022591 (VCV005022591.1).

ClinVar aggregate classification (germline): Uncertain significance (1 of 4 stars; one submission).

Conditions:
Inborn genetic diseases. Identifiers: MedGen C0950123, MeSH D030342.

Submission:

Ambry Genetics
Classification: Uncertain significance for Inborn genetic diseases. Last evaluated: 2026-08-25. Review status: criteria provided, single submitter. Criteria: Ambry Variant Classification Scheme 2023. Collection method: clinical testing. Allele origin: germline.
Comment: The p.Q190E variant (also known as c.568C>G), located in coding exon 5 of the HAX1 gene, results from a C to G substitution at nucleotide position 568. The glutamine at codon 190 is replaced by glutamic acid, an amino acid with highly similar properties. This amino acid position is conserved. In addition, this alteration is predicted to be tolerated by in silico analysis. Based on the available evidence, the clinical significance of this variant remains unclear.